The following is an entry in ClinVar:

ClinVar aggregate classification (germline): Uncertain significance (1 of 4 stars; one submission).

Submission:

GeneDx
Classification: Uncertain significance. Last evaluated: 2024-11-30. Review status: criteria provided, single submitter. Criteria: GeneDx Variant Classification Process June 2021. Collection method: clinical testing. Allele origin: germline. Affected: yes.
Comment: Not observed at significant frequency in large population cohorts (gnomAD); In silico analysis indicates that this missense variant does not alter protein structure/function; Has not been previously published as pathogenic or benign to our knowledge

NM_000829.4(GRIA4):c.1776G>C (p.Glu592Asp)

Gene: GRIA4 (glutamate ionotropic receptor AMPA type subunit 4; plus strand). Cytogenetic location: 11q22.3.
Variant type: single nucleotide variant.
Coding change: c.1776G>C on transcript NM_000829.4 (MANE Select); coding-DNA position 1776, G replaced by C.
Protein change: p.Glu592Asp; replaces glutamic acid 592 with aspartic acid.
Molecular consequence: missense variant. On other transcripts: non-coding transcript variant (1).
Genome position (GRCh38, 1-based): chr11:105,924,698, G>C. VCF-style: chr11-105924698-G-C. GRCh37 (hg19) VCF-style: chr11-105795424-G-C.
Other names: c.1776G>C, p.Glu592Asp (NM_001077243.3); short protein forms E592D.
Identifiers: ClinVar variation 3900968 (VCV003900968.1).
Genomic context (GRCh38, chr11:105,924,698, plus strand): 5'-GTGGCACACAGAAGAGCCAGAGGACGGAAAGGAAGGACCCAGCGACCAGCCTCCCAATGA[G>C]TTTGGCATCTTTAACAGCCTCTGGTTTTCCCTGGGTGCTTTTATGCAGCAAGGATGTGAC-3'
Protein context (NP_000820.4, residues 582-602): KEGPSDQPPN[Glu592Asp]FGIFNSLWFS